The following is an entry in ClinVar:

NM_001166114.2(PNPLA6):c.183G>A (p.Val61=)

Gene: PNPLA6 (patatin like domain 6, lysophospholipase; plus strand). Cytogenetic location: 19p13.2.
Variant type: single nucleotide variant.
Coding change: c.183G>A on transcript NM_001166114.2 (MANE Select); coding-DNA position 183, G replaced by A.
Protein change: p.Val61=; no amino-acid change (valine 61 retained).
Molecular consequence: synonymous variant.
Genome position (GRCh38, 1-based): chr19:7,535,971, G>A. VCF-style: chr19-7535971-G-A. GRCh37 (hg19) VCF-style: chr19-7600857-G-A.
Other names: p.Val22=; c.210G>A, p.Val70= (NM_001166111.2); c.66G>A, p.Val22= (NM_001166112.2, NM_001166113.1, NM_006702.5).
Identifiers: ClinVar variation 330512 (VCV000330512.21), dbSNP rs35732838, ClinGen allele CA9139356.

ClinVar aggregate classification (germline): Benign/Likely benign. Review status: criteria provided, multiple submitters, no conflicts (2 of 4 stars). 7 submissions from 7 submitters: Benign (6); Likely benign (1). Last evaluated 2026-02-03.

Conditions:
Hereditary spastic paraplegia 39 (SPG39). Also called: SPASTIC PARAPLEGIA 39, AUTOSOMAL RECESSIVE; Spastic Paraplegia Type 39 (SPG39). Identifiers: Orphanet 139480, MedGen C2677586, MONDO:0012787, OMIM 612020.
Hereditary spastic paraplegia. Also called: Familial spastic paraparesis. Identifiers: Orphanet 685, MedGen C0037773, MONDO:0019064. Disease mechanism: loss of function.

Allele frequency attached by ClinVar (database versions not stated): gnomAD exomes 0.00655 and 0.00849; ExAC 0.01548; gnomAD 0.01882 and 0.01999; 1000 Genomes Project 0.01937; 1000 Genomes Project 30x 0.02030; ESP Exome Variant Server 0.02175; TOPMed 0.02187.
gnomAD v4.1: 12,356 of 1,581,270 alleles (0.78%); highest among the groups gnomAD compares: African/African-American, 5.5%; 172 homozygotes.

Submissions (7):

Labcorp Genetics (formerly Invitae), Labcorp
Classification: Benign for Hereditary spastic paraplegia 39. Last evaluated: 2026-02-03. Review status: criteria provided, single submitter. Criteria: Invitae Variant Classification Sherloc (09022015). Collection method: clinical testing. Allele origin: germline.

Athena Diagnostics
Classification: Benign. Last evaluated: 2024-04-15. Review status: criteria provided, single submitter. Criteria: Athena Diagnostics Criteria. Collection method: clinical testing. Allele origin: unknown.

Mayo Clinic Laboratories, Mayo Clinic
Classification: Benign. Last evaluated: 2021-12-21. Review status: criteria provided, single submitter. Criteria: ACMG Guidelines, 2015. Collection method: clinical testing. Allele origin: germline. Observed: 42 variant alleles.

Genome Diagnostics Laboratory, The Hospital for Sick Children
Classification: Benign for Hereditary spastic paraplegia. Last evaluated: 2021-10-27. Review status: criteria provided, single submitter. Criteria: ACMG Guidelines, 2015. Collection method: clinical testing. Allele origin: germline. Affected: yes.

Illumina Laboratory Services, Illumina
Classification: Benign for Hereditary spastic paraplegia 39. Last evaluated: 2018-01-13. Review status: criteria provided, single submitter. Criteria: ICSL Variant Classification Criteria 13 December 2019. Collection method: clinical testing. Allele origin: germline.
Comment: This variant was observed in the ICSL laboratory as part of a predisposition screen in an ostensibly healthy population. It had not been previously curated by ICSL or reported in the Human Gene Mutation Database (HGMD: prior to June 1st, 2018), and was therefore a candidate for classification through an automated scoring system. Utilizing variant allele frequency, disease prevalence and penetrance estimates, and inheritance mode, an automated score was calculated to assess if this variant is too frequent to cause the disease. Based on the score and internal cut-off values, a variant classified as benign is not then subjected to further curation. The score for this variant resulted in a classification of benign for this disease.

GeneDx
Classification: Benign. Last evaluated: 2017-01-13. Review status: criteria provided, single submitter. Criteria: GeneDx Variant Classification (06012015). Collection method: clinical testing. Allele origin: germline. Affected: yes.
Comment: This variant is considered likely benign or benign based on one or more of the following criteria: it is a conservative change, it occurs at a poorly conserved position in the protein, it is predicted to be benign by multiple in silico algorithms, and/or has population frequency not consistent with disease.

Breakthrough Genomics
Classification: Likely benign. Review status: criteria provided, single submitter. Criteria: ACMG Guidelines, 2015. Collection method: not provided. Allele origin: germline. Inheritance: Autosomal recessive inheritance. Affected: yes.